The following is an entry in ClinVar:

NM_001042492.3(NF1):c.6179A>G (p.Lys2060Arg)

Gene: NF1 (neurofibromin 1; plus strand). Cytogenetic location: 17q11.2.
Variant type: single nucleotide variant.
Coding change: c.6179A>G on transcript NM_001042492.3 (MANE Select); coding-DNA position 6179, A replaced by G.
Protein change: p.Lys2060Arg; replaces lysine 2060 with arginine.
Molecular consequence: missense variant.
Genome position (GRCh38, 1-based): chr17:31,336,666, A>G. VCF-style: chr17-31336666-A-G. GRCh37 (hg19) VCF-style: chr17-29663684-A-G.
Other names: c.6116A>G, p.Lys2039Arg (NM_000267.4); short protein forms K2060R, K2039R.
Identifiers: ClinVar variation 646795 (VCV000646795.5), dbSNP rs1597842757, ClinGen allele CA399011778.

ClinVar aggregate classification (germline): Uncertain significance (1 of 4 stars; one submission).

Conditions:
Neurofibromatosis, type 1 (NF1). Also called: VON RECKLINGHAUSEN DISEASE; Neurofibromatosis, type I; NEUROFIBROMATOSIS, TYPE I, SOMATIC; Peripheral type neurofibromatosis. Identifiers: Orphanet 636, MedGen C0027831, MONDO:0018975, OMIM 162200. Disease mechanism: loss of function.

Submission:

Labcorp Genetics (formerly Invitae), Labcorp
Classification: Uncertain significance for Neurofibromatosis, type 1. Last evaluated: 2018-11-24. Review status: criteria provided, single submitter. Criteria: Invitae Variant Classification Sherloc (09022015). Collection method: clinical testing. Allele origin: germline.
Comment: Algorithms developed to predict the effect of sequence changes on RNA splicing suggest that this variant may create or strengthen a splice site, but this prediction has not been confirmed by published transcriptional studies. In summary, the available evidence is currently insufficient to determine the role of this variant in disease. Therefore, it has been classified as a Variant of Uncertain Significance. Algorithms developed to predict the effect of missense changes on protein structure and function are either unavailable or do not agree on the potential impact of this missense change (SIFT: "Tolerated"; PolyPhen-2: "Probably Damaging"; Align-GVGD: "Class C0"). This variant has not been reported in the literature in individuals with NF1-related conditions. This variant is not present in population databases (ExAC no frequency). This sequence change replaces lysine with arginine at codon 2039 of the NF1 protein (p.Lys2039Arg). The lysine residue is highly conserved and there is a small physicochemical difference between lysine and arginine.